The following is an entry in ClinVar:

NM_001041.4(SI):c.840C>G (p.Phe280Leu)

Gene: SI (sucrase-isomaltase; minus strand). Cytogenetic location: 3q26.1.
Variant type: single nucleotide variant.
Coding change: c.840C>G on transcript NM_001041.4 (MANE Select); coding-DNA position 840, C replaced by G.
Protein change: p.Phe280Leu; replaces phenylalanine 280 with leucine.
Molecular consequence: missense variant.
Genome position (GRCh38, 1-based): chr3:165,063,509, G>C on the plus strand (C>G on the coding strand, the complement: SI is on the minus strand). VCF-style: chr3-165063509-G-C. GRCh37 (hg19) VCF-style: chr3-164781297-G-C.
Other names: c.840C>G (NM_001041.3); short protein forms F280L.
Identifiers: ClinVar variation 1899566 (VCV001899566.6), dbSNP rs779856492, ClinGen allele CA2691286.
Genomic context (GRCh38, chr3:165,063,509, plus strand): 5'-ATTGCTATTCATTAAAAAAACACCGAATGACTTTCCAGATGTATCTTCAATACACATAAA[G>C]AATGTTTGATGGCCGTATAAATTATTATTATTCTATAAGGCAAGAATTTGAAAATACGAT-3'
Protein context (NP_001032.2, residues 270-290): NNNNLYGHQT[Phe280Leu]FMCIEDTSGK

ClinVar aggregate classification (germline): Uncertain significance. Review status: criteria provided, multiple submitters, no conflicts (2 of 4 stars). 2 submissions from 2 submitters: Uncertain significance (2). Last evaluated 2024-10-16.

Conditions:
Inborn genetic diseases. Identifiers: MedGen C0950123, MeSH D030342.

Allele frequency attached by ClinVar (database versions not stated): ExAC 0.00003.
gnomAD v4.1: 3 of 1,547,318 alleles (0.00019%); highest among the groups gnomAD compares: Non-Finnish European, 0.00027%; no homozygotes.

Submissions (2):

Labcorp Genetics (formerly Invitae), Labcorp
Classification: Uncertain significance. Last evaluated: 2024-10-16. Review status: criteria provided, single submitter. Criteria: Invitae Variant Classification Sherloc (09022015). Collection method: clinical testing. Allele origin: germline.
Comment: This sequence change replaces phenylalanine, which is neutral and non-polar, with leucine, which is neutral and non-polar, at codon 280 of the SI protein (p.Phe280Leu). This variant is present in population databases (rs779856492, gnomAD 0.005%). This variant has not been reported in the literature in individuals affected with SI-related conditions. ClinVar contains an entry for this variant (Variation ID: 1899566). Invitae Evidence Modeling of protein sequence and biophysical properties (such as structural, functional, and spatial information, amino acid conservation, physicochemical variation, residue mobility, and thermodynamic stability) has been performed for this missense variant. However, the output from this modeling did not meet the statistical confidence thresholds required to predict the impact of this variant on SI protein function. In summary, the available evidence is currently insufficient to determine the role of this variant in disease. Therefore, it has been classified as a Variant of Uncertain Significance.

Ambry Genetics
Classification: Uncertain significance for Inborn genetic diseases. Last evaluated: 2023-03-14. Review status: criteria provided, single submitter. Criteria: Ambry Variant Classification Scheme 2023. Collection method: clinical testing. Allele origin: germline.